The following is an entry in ClinVar:

NM_005989.4(AKR1D1):c.149G>A (p.Arg50Gln)

Gene: AKR1D1 (aldo-keto reductase family 1 member D1; plus strand). Cytogenetic location: 7q33.
Variant type: single nucleotide variant.
Coding change: c.149G>A on transcript NM_005989.4 (MANE Select); coding-DNA position 149, G replaced by A.
Protein change: p.Arg50Gln; replaces arginine 50 with glutamine.
Molecular consequence: missense variant.
Genome position (GRCh38, 1-based): chr7:138,088,656, G>A. VCF-style: chr7-138088656-G-A. GRCh37 (hg19) VCF-style: chr7-137773402-G-A.
Other names: c.149G>A, p.Arg50Gln (NM_001190906.2, NM_001190907.2); c.149G>A (NM_005989.3); short protein forms R50Q.
Identifiers: ClinVar variation 598404 (VCV000598404.7), dbSNP rs201752860, ClinGen allele CA4502588.

ClinVar aggregate classification (germline): Uncertain significance. Review status: criteria provided, multiple submitters, no conflicts (2 of 4 stars). 3 submissions from 3 submitters: Uncertain significance (3). Last evaluated 2026-05-22.

Conditions:
AKR1D1-related disorder. Also called: AKR1D1-related condition.

Allele frequency attached by ClinVar (database versions not stated): TOPMed 0.00005; ESP Exome Variant Server 0.00015; gnomAD 0.00022 and 0.00024; gnomAD exomes 0.00022; ExAC 0.00028.
gnomAD v4.1: 206 of 1,613,954 alleles (0.013%); highest among the groups gnomAD compares: East Asian, 0.016%; no homozygotes.

Submissions (3):

PreventionGenetics, part of Exact Sciences
Classification: Uncertain significance for AKR1D1-related condition. Last evaluated: 2026-05-22. Review status: criteria provided, single submitter. Criteria: ACMG Guidelines, 2015. Collection method: clinical testing. Allele origin: germline.
Comment: The AKR1D1 c.149G>A variant is predicted to result in the amino acid substitution p.Arg50Gln. This variant is reported in 0.14% of alleles in individuals of European (Finnish) descent in gnomAD. Although we suspect that this variant may be benign, at this time, the clinical significance of this variant is uncertain due to the absence of conclusive functional and genetic evidence.

Blueprint Genetics
Classification: Uncertain significance. Last evaluated: 2024-10-17. Review status: criteria provided, single submitter. Criteria: ACMG Guidelines, 2015. Collection method: clinical testing. Allele origin: germline.

Eurofins Ntd Llc (ga)
Classification: Uncertain significance. Last evaluated: 2018-08-16. Review status: criteria provided, single submitter. Criteria: EGL ClinVar v180209 classification definitions. Collection method: clinical testing. Allele origin: germline. Observed: 1 variant allele, 1 heterozygote.